The following is an entry in ClinVar:

NM_001142864.4(PIEZO1):c.3330C>T (p.Ser1110=)

Gene: PIEZO1 (piezo type mechanosensitive ion channel component 1 (Er blood group); minus strand). Cytogenetic location: 16q24.3.
Variant type: single nucleotide variant.
Coding change: c.3330C>T on transcript NM_001142864.4 (MANE Select); coding-DNA position 3330, C replaced by T.
Protein change: p.Ser1110=; no amino-acid change (serine 1110 retained).
Molecular consequence: synonymous variant.
Genome position (GRCh38, 1-based): chr16:88,727,164, G>A on the plus strand (C>T on the coding strand, the complement: PIEZO1 is on the minus strand). VCF-style: chr16-88727164-G-A. GRCh37 (hg19) VCF-style: chr16-88793572-G-A.
Other names: c.1872C>T, p.Ser624= (NM_014745.1).
Identifiers: ClinVar variation 2647000 (VCV002647000.24), dbSNP rs1028227399, ClinGen allele CA286414006.

ClinVar aggregate classification (germline): Likely benign (1 of 4 stars; one submission).

Allele frequency attached by ClinVar (database versions not stated): TOPMed 0.00002; gnomAD 0.00003; gnomAD exomes 0.00005.
gnomAD v4.1: 80 of 1,546,802 alleles (0.0052%); highest among the groups gnomAD compares: Middle Eastern, 0.017%; no homozygotes.

Submission:

CeGaT Center for Human Genetics Tuebingen
Classification: Likely benign. Last evaluated: 2023-10-01. Review status: criteria provided, single submitter. Criteria: CeGaT Center For Human Genetics Tuebingen Variant Classification Criteria Version 2. Collection method: clinical testing. Allele origin: germline. Affected: yes. Observed: 1 variant allele.
Comment: PIEZO1: BP4, BP7